The following is an entry in ClinVar:

NM_182476.3(COQ6):c.349C>T (p.Arg117Ter)

Genes: COQ6 (coenzyme Q6, monooxygenase; plus strand), ENTPD5 (ectonucleoside triphosphate diphosphohydrolase 5; minus strand). Cytogenetic location: 14q24.3.
Variant type: single nucleotide variant.
Coding change: c.349C>T on transcript NM_182476.3 (MANE Select); coding-DNA position 349, C replaced by T.
Protein change: p.Arg117Ter; replaces arginine 117 with a stop codon.
Molecular consequence: nonsense. On other transcripts: 5 prime UTR variant (1), 3 prime UTR variant (2), intron variant (5).
Genome position (GRCh38, 1-based): chr14:73,955,501, C>T. VCF-style: chr14-73955501-C-T. GRCh37 (hg19) VCF-style: chr14-74422204-C-T.
Other names: c.349C>T, p.Arg117Ter (NM_001425255.1, NM_001425256.1, NM_001425262.1); c.274C>T, p.Arg92Ter (NM_001425258.1, NM_182480.3); c.22C>T, p.Arg8Ter (NM_001425263.1); c.-61C>T (NM_001425265.1); c.*54G>A (NM_001382258.1); c.*319G>A (NM_001382262.1); c.133-304C>T (NM_001425259.1, NM_001425261.1, NM_001425260.1); c.193-304C>T (NM_001425257.1); and 1 more; short protein forms R117*, R92*.
Identifiers: ClinVar variation 1679762 (VCV001679762.12), dbSNP rs376848848, ClinGen allele CA7264127.
Genomic context (GRCh38, chr14:73,955,501, plus strand): 5'-TCTTTTGTAGGTTTTGGTGCCTGGGACCATATCTGCAACATGAGATACAGAGCCTTTCGG[C>T]GAATGCAGGTGCCCCTTTATCTTTTCAATTTTGTCAAGATGTCTTGGTCTGTCTTAAGAT-3'

ClinVar aggregate classification (germline): Pathogenic/Likely pathogenic. Review status: criteria provided, multiple submitters, no conflicts (2 of 4 stars). 5 submissions from 5 submitters: Pathogenic (2); Likely pathogenic (3). Last evaluated 2026-02-09.

Conditions:
Familial steroid-resistant nephrotic syndrome with sensorineural deafness. Identifiers: Orphanet 280406, MedGen C3553349, MONDO:0013836, OMIM 614650.

Allele frequency attached by ClinVar (database versions not stated): ExAC 0.00002; gnomAD exomes 0.00004; ESP Exome Variant Server 0.00008.
gnomAD v4.1: 25 of 1,613,688 alleles (0.0015%); highest among the groups gnomAD compares: African/African-American, 0.0053%; no homozygotes.

Submissions (6):

GeneDx
Classification: Pathogenic. Last evaluated: 2026-02-09. Review status: criteria provided, single submitter. Criteria: GeneDx Variant Classification Process June 2021. Collection method: clinical testing. Allele origin: germline.
Comment: Nonsense variant predicted to result in protein truncation or nonsense mediated decay in a gene for which loss-of-function is a known mechanism of disease; Has not been previously published as pathogenic or benign to our knowledge; Not observed at significant frequency in large population cohorts (gnomAD)

Fulgent Genetics
Classification: Likely pathogenic for Familial steroid-resistant nephrotic syndrome with sensorineural deafness. Last evaluated: 2024-02-29. Review status: criteria provided, single submitter. Criteria: ACMG Guidelines, 2015. Collection method: clinical testing. Allele origin: germline.

Labcorp Genetics (formerly Invitae), Labcorp
Classification: Pathogenic. Last evaluated: 2024-01-08. Review status: criteria provided, single submitter. Criteria: Invitae Variant Classification Sherloc (09022015). Collection method: clinical testing. Allele origin: germline.
Comment: This sequence change creates a premature translational stop signal (p.Arg117*) in the COQ6 gene. It is expected to result in an absent or disrupted protein product. Loss-of-function variants in COQ6 are known to be pathogenic (PMID: 21540551, 24140869). This variant is present in population databases (rs376848848, gnomAD 0.006%). This variant has not been reported in the literature in individuals affected with COQ6-related conditions. ClinVar contains an entry for this variant (Variation ID: 1679762). Algorithms developed to predict the effect of sequence changes on RNA splicing suggest that this variant may disrupt the consensus splice site. For these reasons, this variant has been classified as Pathogenic.

New York Genome Center
Classification: Likely pathogenic for Familial steroid-resistant nephrotic syndrome with sensorineural deafness. Last evaluated: 2021-07-08. Review status: criteria provided, single submitter. Criteria: NYGC Assertion Criteria 2020. Collection method: clinical testing. Allele origin: inherited. Observed: 1 heterozygote. Study: CSER-NYCKidSeq.

Juno Genomics, Hangzhou Juno Genomics, Inc
Classification: Likely pathogenic for Familial steroid-resistant nephrotic syndrome with sensorineural deafness. Review status: criteria provided, single submitter. Criteria: ACMG Guidelines, 2015. Collection method: clinical testing. Allele origin: germline.
Comment: Null variant in a gene where loss of function (LOF) is a known mechanism of disease.;Absent from controls (or at extremely low frequency if recessive) in Genome Aggregation Database.

Dr. Peter K. Rogan Lab, Western University
No classification provided (evidence only). Condition: Familial cancer of breast. Review status: no classification provided. Collection method: in vitro. Allele origin: not applicable. Functional consequence: retained intron. Not counted in ClinVar's aggregate classification.

Literature cited by the submitters: PubMed 21540551 (cited by Labcorp Genetics (formerly Invitae), Labcorp); PubMed 24140869 (cited by Labcorp Genetics (formerly Invitae), Labcorp).